The following is an entry in ClinVar:

NM_000742.4(CHRNA2):c.670G>A (p.Asp224Asn)

Gene: CHRNA2 (cholinergic receptor nicotinic alpha 2 subunit; minus strand). Cytogenetic location: 8p21.2.
Variant type: single nucleotide variant.
Coding change: c.670G>A on transcript NM_000742.4 (MANE Select); coding-DNA position 670, G replaced by A.
Protein change: p.Asp224Asn; replaces aspartic acid 224 with asparagine.
Molecular consequence: missense variant.
Genome position (GRCh38, 1-based): chr8:27,463,773, C>T on the plus strand (G>A on the coding strand, the complement: CHRNA2 is on the minus strand). VCF-style: chr8-27463773-C-T. GRCh37 (hg19) VCF-style: chr8-27321290-C-T.
Other names: c.625G>A, p.Asp209Asn (NM_001282455.2); c.193G>A, p.Asp65Asn (NM_001347705.2, NM_001347706.2); c.76G>A, p.Asp26Asn (NM_001347707.2, NM_001347708.2); short protein forms D224N, D26N, D209N, D65N.
Identifiers: ClinVar variation 476993 (VCV000476993.7), dbSNP rs781326114, ClinGen allele CA4689611.

ClinVar aggregate classification (germline): Uncertain significance (1 of 4 stars; one submission).

Conditions:
Familial sleep-related hypermotor epilepsy. Also called: Autosomal Dominant Sleep-Related Hypermotor (Hyperkinetic) Epilepsy. Identifiers: Orphanet 98784, MedGen C3696898, MONDO:0000030.

Allele frequency attached by ClinVar (database versions not stated): gnomAD exomes below 0.00001 and 0.00001; ExAC 0.00001.
gnomAD v4.1: 4 of 1,614,146 alleles (0.00025%); highest among the groups gnomAD compares: Admixed American, 0.0033%; no homozygotes.

Submission:

Labcorp Genetics (formerly Invitae), Labcorp
Classification: Uncertain significance. Last evaluated: 2025-11-13. Review status: criteria provided, single submitter. Criteria: Invitae Variant Classification Sherloc (09022015). Collection method: clinical testing. Allele origin: germline.
Comment: This sequence change replaces aspartic acid, which is acidic and polar, with asparagine, which is neutral and polar, at codon 224 of the CHRNA2 protein (p.Asp224Asn). This variant is present in population databases (rs781326114, gnomAD 0.006%). This variant has not been reported in the literature in individuals affected with CHRNA2-related conditions. ClinVar contains an entry for this variant (Variation ID: 476993). Invitae Evidence Modeling of protein sequence and biophysical properties (such as structural, functional, and spatial information, amino acid conservation, physicochemical variation, residue mobility, and thermodynamic stability) indicates that this missense variant is not expected to disrupt CHRNA2 protein function with a negative predictive value of 80%. In summary, the available evidence is currently insufficient to determine the role of this variant in disease. Therefore, it has been classified as a Variant of Uncertain Significance.